The following is an entry in ClinVar:

ClinVar aggregate classification (germline): Likely benign (1 of 4 stars; one submission).

gnomAD v4.1: 1 of 1,613,892 alleles (0.000062%); highest among the groups gnomAD compares: Non-Finnish European, 0.000085%; no homozygotes.

Submission:

CeGaT Center for Human Genetics Tuebingen
Classification: Likely benign. Last evaluated: 2024-10-01. Review status: criteria provided, single submitter. Criteria: CeGaT Center For Human Genetics Tuebingen Variant Classification Criteria Version 2. Collection method: clinical testing. Allele origin: germline. Affected: yes. Observed: 1 variant allele.
Comment: ITK: BP4, BP7

NM_005546.4(ITK):c.1026G>A (p.Arg342=)

Gene: ITK (IL2 inducible T cell kinase; plus strand). Cytogenetic location: 5q33.3.
Variant type: single nucleotide variant.
Coding change: c.1026G>A on transcript NM_005546.4 (MANE Select); coding-DNA position 1026, G replaced by A.
Protein change: p.Arg342=; no amino-acid change (arginine 342 retained).
Molecular consequence: synonymous variant.
Genome position (GRCh38, 1-based): chr5:157,241,686, G>A. VCF-style: chr5-157241686-G-A. GRCh37 (hg19) VCF-style: chr5-156668696-G-A.
Identifiers: ClinVar variation 3388877 (VCV003388877.14).